The following is an entry in ClinVar:

ClinVar aggregate classification (germline): Uncertain significance (1 of 4 stars; one submission).

Submission:

Labcorp Genetics (formerly Invitae), Labcorp
Classification: Uncertain significance. Last evaluated: 2022-04-17. Review status: criteria provided, single submitter. Criteria: Invitae Variant Classification Sherloc (09022015). Collection method: clinical testing. Allele origin: germline.
Comment: In summary, the available evidence is currently insufficient to determine the role of this variant in disease. Therefore, it has been classified as a Variant of Uncertain Significance. Advanced modeling of protein sequence and biophysical properties (such as structural, functional, and spatial information, amino acid conservation, physicochemical variation, residue mobility, and thermodynamic stability) performed at Invitae indicates that this missense variant is not expected to disrupt KMT2A protein function. This variant has not been reported in the literature in individuals affected with KMT2A-related conditions. This variant is not present in population databases (gnomAD no frequency). This sequence change replaces threonine, which is neutral and polar, with alanine, which is neutral and non-polar, at codon 346 of the KMT2A protein (p.Thr346Ala).

NM_001197104.2(KMT2A):c.1036A>G (p.Thr346Ala)

Gene: KMT2A (lysine methyltransferase 2A; plus strand). Cytogenetic location: 11q23.3.
Variant type: single nucleotide variant.
Coding change: c.1036A>G on transcript NM_001197104.2 (MANE Select); coding-DNA position 1036, A replaced by G.
Protein change: p.Thr346Ala; replaces threonine 346 with alanine.
Molecular consequence: missense variant.
Genome position (GRCh38, 1-based): chr11:118,472,195, A>G. VCF-style: chr11-118472195-A-G. GRCh37 (hg19) VCF-style: chr11-118342910-A-G.
Other names: c.1135A>G, p.Thr379Ala (NM_001412597.1); c.1036A>G, p.Thr346Ala (NM_005933.4); short protein forms T346A, T379A.
Identifiers: ClinVar variation 2100257 (VCV002100257.4), dbSNP rs2496795501, ClinGen allele CA382808943.